The following is an entry in ClinVar:

NM_000531.6(OTC):c.374C>T (p.Thr125Met)

Gene: OTC (ornithine transcarbamylase; plus strand). Cytogenetic location: Xp11.4.
Variant type: single nucleotide variant.
Coding change: c.374C>T on transcript NM_000531.6 (MANE Select); coding-DNA position 374, C replaced by T.
Protein change: p.Thr125Met; replaces threonine 125 with methionine.
Molecular consequence: missense variant.
Genome position (GRCh38, 1-based): chrX:38,381,417, C>T. VCF-style: chrX-38381417-C-T. GRCh37 (hg19) VCF-style: chrX-38240670-C-T.
Other names: short protein forms T125M.
Identifiers: ClinVar variation 97175 (VCV000097175.62), dbSNP rs72554356, ClinGen allele CA211702.
Genomic context (GRCh38, chrX:38,381,417, plus strand): 5'-GAGGACATCCTTGTTTTCTTACCACACAAGATATTCATTTGGGTGTGAATGAAAGTCTCA[C>T]GGACACGGCCCGGTTTGTAAATATTTTCTTCTCTCCAAAGCTGATTTCAGAATCTGATGG-3'
Protein context (NP_000522.3, residues 115-135): DIHLGVNESL[Thr125Met]DTARVLSSMA

ClinVar aggregate classification (germline): Uncertain significance. Review status: criteria provided, multiple submitters, no conflicts (2 of 4 stars). 9 submissions from 9 submitters: Uncertain significance (7). 2 of the submissions do not count toward it. Last evaluated 2026-09-15.

Conditions:
Hyperammonemia. Also called: Hyperammonaemia. Identifiers: MedGen C5574662, HP:0001987.
Ornithine carbamoyltransferase deficiency (OTCD). Also called: OTC DEFICIENCY; Ornithine Carbamoyltransferase Deficiency Disease; ORNITHINE TRANSCARBAMYLASE DEFICIENCY; ORNITHINE TRANSCARBAMYLASE DEFICIENCY, HYPERAMMONEMIA DUE TO. Identifiers: Orphanet 664, MedGen C0268542, MONDO:0010703, OMIM 311250.

Allele frequency attached by ClinVar (database versions not stated): ExAC 0.00001; gnomAD 0.00001; gnomAD exomes 0.00001; TOPMed 0.00001; ESP Exome Variant Server 0.00009; 1000 Genomes Project 30x 0.00021; 1000 Genomes Project 0.00026.
gnomAD v4.1: 18 of 1,175,056 alleles (0.0015%); highest among the groups gnomAD compares: South Asian, 0.0036%; no homozygotes.

Submissions (9):

GeneDx
Classification: Uncertain significance. Last evaluated: 2026-09-15. Review status: criteria provided, single submitter. Criteria: GeneDx Variant Classification Process June 2021. Collection method: clinical testing. Allele origin: germline.
Comment: Published functional studies have shown conflicting results regarding this variants effect on OTC activity (PMID: 37146589); In silico analysis suggests that this missense variant does not alter protein structure/function; Observed as hemizygous in a patient with recurrent rhabdomyolysis without hyperammonemia (PMID: 36193211); This variant is associated with the following publications: (PMID: 28324312, 9452049, 27703146, 25637381, 34173867, 17613537, 37146589, 34014569, 8807340, 36193211)

Women's Health and Genetics/Laboratory Corporation of America, LabCorp
Classification: Uncertain significance. Last evaluated: 2023-07-28. Review status: criteria provided, single submitter. Criteria: LabCorp Variant Classification Summary - May 2015. Collection method: clinical testing. Allele origin: germline.
Comment: Variant summary: OTC c.374C>T (p.Thr125Met) results in a non-conservative amino acid change located in the carbamoyl-P binding domain (IPR006132) of the encoded protein sequence. Three of five in-silico tools predict a benign effect of the variant on protein function. The variant allele was found at a frequency of 1.1e-05 in 182605 control chromosomes, including 2 hemizygotes, suggesting the variant may be benign. c.374C>T has been reported in the literature as a hemizygous genotype in at least one individual affected with neonatal onset Ornithine Transcarbamylase Deficiency who also had two unaffected female relatives who carried the variant, however X-inactivation pattern was not reported in these individuals (e.g. Gilbert-Dussardier_1996, Gobin-Limballe_2021). These data do not allow any conclusion about variant significance. At least one publication reports experimental evidence evaluating an impact on protein function and found the variant results in little to no enzyme activity compared to the WT protein (Suriano_2007). The following publications have been ascertained in the context of this evaluation (PMID: 25637381, 8807340, 34014569, 17613537). Five submitters have cited clinical-significance assessments for this variant to ClinVar after 2014. All submitters classified the variant as uncertain significance. Based on the evidence outlined above, the variant was classified as VUS-possibly pathogenic.

Labcorp Genetics (formerly Invitae), Labcorp
Classification: Uncertain significance for Ornithine carbamoyltransferase deficiency. Last evaluated: 2022-07-06. Review status: criteria provided, single submitter. Criteria: Invitae Variant Classification Sherloc (09022015). Collection method: clinical testing. Allele origin: germline.
Comment: This sequence change replaces threonine, which is neutral and polar, with methionine, which is neutral and non-polar, at codon 125 of the OTC protein (p.Thr125Met). This variant is present in population databases (rs72554356, gnomAD 0.008%), including at least one homozygous and/or hemizygous individual. This missense change has been observed in individual(s) with OTC deficiency (PMID: 8807340). ClinVar contains an entry for this variant (Variation ID: 97175). Advanced modeling of protein sequence and biophysical properties (such as structural, functional, and spatial information, amino acid conservation, physicochemical variation, residue mobility, and thermodynamic stability) performed at Invitae indicates that this missense variant is not expected to disrupt OTC protein function. Experimental studies have shown that this missense change affects OTC function (PMID: 17613537). In summary, the available evidence is currently insufficient to determine the role of this variant in disease. Therefore, it has been classified as a Variant of Uncertain Significance.

Genome-Nilou Lab
Classification: Uncertain significance for Ornithine carbamoyltransferase deficiency. Last evaluated: 2021-11-07. Review status: criteria provided, single submitter. Criteria: ACMG Guidelines, 2015. Collection method: clinical testing. Allele origin: germline. Affected: no.

CeGaT Center for Human Genetics Tuebingen
Classification: Uncertain significance. Last evaluated: 2018-02-01. Review status: criteria provided, single submitter. Criteria: CeGaT Center For Human Genetics Tuebingen Variant Classification Criteria Version 2. Collection method: clinical testing. Allele origin: germline. Affected: yes. Observed: 1 variant allele.

CSER _CC_NCGL, University of Washington
Classification: Uncertain significance for Hyperammonaemia. Last evaluated: 2014-06-01. Review status: criteria provided, single submitter. Criteria: Amendola et al. (Genome Res. 2015). Collection method: research. Allele origin: germline. Inheritance: X-linked inheritance. Study: ESP 6500 variant annotation.
Comment: Low GERP score may suggest that this variant may belong in a lower pathogenicity class

Variants classified for the Actionable exomic incidental findings in 6503 participants: challenges of variant classification manuscript

Neuberg Centre For Genomic Medicine, NCGM
Classification: Uncertain significance for Ornithine carbamoyltransferase deficiency. Review status: criteria provided, single submitter. Criteria: ACMG Guidelines, 2015. Collection method: clinical testing. Allele origin: germline. Inheritance: X-linked inheritance. Affected: yes.
Comment: The missense variant c.374C>T (p.Thr125Met) in OTC has been submitted to ClinVar as a Variant of Uncertain Significance. This variant has been observed in an individual affected with OTC deficiency (Gilbert-Dussardier B et al). Experimental studies have shown that this missense change causes lack of OTC enzymatic activity in vitro (Suriano G et al) This p.Thr125Met variant has allele frequency of 0.001095% in the gnomAD and novel (not in any individuals) in 1000 genome database. The amino acid Thr at position 125 is changed to a Met changing protein sequence and it might alter its composition and physico-chemical properties. In summary, the available evidence is currently insufficient to determine the role of this variant in disease. For these reasons, this variant has been classified as Uncertain Significance (VUS).

Natera, Inc.
Classification: Uncertain significance for Ornithine transcarbamylase deficiency. Last evaluated: 2020-12-10. Review status: no assertion criteria provided. Collection method: clinical testing. Allele origin: germline. Not counted in ClinVar's aggregate classification.

GenMed Metabolism Lab
Classification: Pathogenic. Review status: no assertion criteria provided. Collection method: not provided. Allele origin: unknown. Not counted in ClinVar's aggregate classification.
Comment: p.Thr125Met, Neonatal
ClinVar note: Converted during submission from pathogenic to Pathogenic.

Literature cited by the submitters: PubMed 25637381 (cited by Women's Health and Genetics/Laboratory Corporation of America, LabCorp); PubMed 8807340 (cited by Women's Health and Genetics/Laboratory Corporation of America, LabCorp and Labcorp Genetics (formerly Invitae), Labcorp); PubMed 34014569 (cited by Women's Health and Genetics/Laboratory Corporation of America, LabCorp); PubMed 17613537 (cited by Women's Health and Genetics/Laboratory Corporation of America, LabCorp and Labcorp Genetics (formerly Invitae), Labcorp).